The following is an entry in ClinVar:

NM_004268.5(MED17):c.1792C>T (p.Arg598Cys)

Gene: MED17 (mediator complex subunit 17; plus strand). Cytogenetic location: 11q21.
Variant type: single nucleotide variant.
Coding change: c.1792C>T on transcript NM_004268.5 (MANE Select); coding-DNA position 1792, C replaced by T.
Protein change: p.Arg598Cys; replaces arginine 598 with cysteine.
Molecular consequence: missense variant.
Genome position (GRCh38, 1-based): chr11:93,811,900, C>T. VCF-style: chr11-93811900-C-T. GRCh37 (hg19) VCF-style: chr11-93545066-C-T.
Other names: short protein forms R598C.
Identifiers: ClinVar variation 2071595 (VCV002071595.2), dbSNP rs979902712, ClinGen allele CA226493612.

ClinVar aggregate classification (germline): Uncertain significance. Review status: criteria provided, multiple submitters, no conflicts (2 of 4 stars). 2 submissions from 2 submitters: Uncertain significance (2). Last evaluated 2022-10-24.

Conditions:
Inborn genetic diseases. Identifiers: MedGen C0950123, MeSH D030342.

Allele frequency attached by ClinVar (database versions not stated): gnomAD exomes 0.00001; gnomAD 0.00003; TOPMed 0.00003.
gnomAD v4.1: 16 of 1,613,892 alleles (0.00099%); highest among the groups gnomAD compares: African/African-American, 0.0053%; no homozygotes.

Submissions (2):

Labcorp Genetics (formerly Invitae), Labcorp
Classification: Uncertain significance. Last evaluated: 2022-10-24. Review status: criteria provided, single submitter. Criteria: Invitae Variant Classification Sherloc (09022015). Collection method: clinical testing. Allele origin: germline.
Comment: This sequence change replaces arginine, which is basic and polar, with cysteine, which is neutral and slightly polar, at codon 598 of the MED17 protein (p.Arg598Cys). This variant is present in population databases (no rsID available, gnomAD 0.004%). This variant has not been reported in the literature in individuals affected with MED17-related conditions. Advanced modeling of protein sequence and biophysical properties (such as structural, functional, and spatial information, amino acid conservation, physicochemical variation, residue mobility, and thermodynamic stability) performed at Invitae indicates that this missense variant is not expected to disrupt MED17 protein function. In summary, the available evidence is currently insufficient to determine the role of this variant in disease. Therefore, it has been classified as a Variant of Uncertain Significance.

Ambry Genetics
Classification: Uncertain significance for Inborn genetic diseases. Last evaluated: 2022-09-06. Review status: criteria provided, single submitter. Criteria: Ambry Variant Classification Scheme 2023. Collection method: clinical testing. Allele origin: germline.